The following is an entry in ClinVar:

ClinVar aggregate classification (germline): Uncertain significance. Review status: criteria provided, multiple submitters, no conflicts (2 of 4 stars). 2 submissions from 2 submitters: Uncertain significance (2). Last evaluated 2025-05-27.

Allele frequency attached by ClinVar (database versions not stated): TOPMed 0.00001; ExAC 0.00002; gnomAD exomes 0.00002.
gnomAD v4.1: 11 of 1,614,172 alleles (0.00068%); highest among the groups gnomAD compares: Admixed American, 0.018%; no homozygotes.

Submissions (2):

Labcorp Genetics (formerly Invitae), Labcorp
Classification: Uncertain significance. Last evaluated: 2025-05-27. Review status: criteria provided, single submitter. Criteria: Invitae Variant Classification Sherloc (09022015). Collection method: clinical testing. Allele origin: germline.
Comment: This sequence change replaces glutamic acid, which is acidic and polar, with glutamine, which is neutral and polar, at codon 619 of the RFWD3 protein (p.Glu619Gln). This variant is present in population databases (rs770936794, gnomAD 0.02%). This variant has not been reported in the literature in individuals affected with RFWD3-related conditions. ClinVar contains an entry for this variant (Variation ID: 2177226). An algorithm developed to predict the effect of missense changes on protein structure and function (PolyPhen-2) suggests that this variant is likely to be disruptive. In summary, the available evidence is currently insufficient to determine the role of this variant in disease. Therefore, it has been classified as a Variant of Uncertain Significance.

Ambry Genetics
Classification: Uncertain significance. Last evaluated: 2025-05-26. Review status: criteria provided, single submitter. Criteria: Ambry Variant Classification Scheme 2023. Collection method: clinical testing. Allele origin: germline.

NM_018124.4(RFWD3):c.1855G>C (p.Glu619Gln)

Gene: RFWD3 (ring finger and WD repeat domain 3; minus strand). Cytogenetic location: 16q23.1.
Variant type: single nucleotide variant.
Coding change: c.1855G>C on transcript NM_018124.4 (MANE Select); coding-DNA position 1855, G replaced by C.
Protein change: p.Glu619Gln; replaces glutamic acid 619 with glutamine.
Molecular consequence: missense variant.
Genome position (GRCh38, 1-based): chr16:74,628,566, C>G on the plus strand (G>C on the coding strand, the complement: RFWD3 is on the minus strand). VCF-style: chr16-74628566-C-G. GRCh37 (hg19) VCF-style: chr16-74662464-C-G.
Other names: c.1855G>C, p.Glu619Gln (NM_001370534.1, NM_001370535.1); c.1678G>C, p.Glu560Gln (NM_001370536.1); c.1021G>C, p.Glu341Gln (NM_001370537.1, NM_001370539.1, NM_001370540.1 and 3 more transcripts); c.1855G>C (NM_018124.3); short protein forms E341Q, E560Q, E619Q.
Identifiers: ClinVar variation 2177226 (VCV002177226.5), dbSNP rs770936794, ClinGen allele CA8169048.